The following is an entry in ClinVar:

NM_001009944.3(PKD1):c.11526_11527delinsTA (p.Trp3842_Leu3843delinsCysMet)

Genes: PKD1 (polycystin 1, transient receptor potential channel interacting; minus strand), PKD1-AS1 (PKD1 antisense RNA 1; plus strand). Cytogenetic location: 16p13.3.
Variant type: Indel.
Coding change: c.11526_11527delinsTA on transcript NM_001009944.3 (MANE Select); coding-DNA positions 11526 to 11527, GC replaced by TA.
Protein change: p.Trp3842_Leu3843delinsCysMet.
Molecular consequence: missense variant.
Genome position (GRCh38, 1-based): chr16:2,091,791-2,091,792, GC replaced by TA on the plus strand (GC replaced by TA on the coding strand, the reverse complement: PKD1 is on the minus strand). VCF-style: chr16-2091791-GC-TA. GRCh37 (hg19) VCF-style: chr16-2141792-GC-TA.
Other names: c.11523_11524delinsTA, p.Trp3841_Leu3842delinsCysMet (NM_000296.4); c.11526_11527delGCinsTA, p.Trp3842_Leu3843delinsCysMet (NM_001009944.2).
Identifiers: ClinVar variation 4072702 (VCV004072702.1).

ClinVar aggregate classification (germline): Uncertain significance (1 of 4 stars; one submission).

Submission:

GeneDx
Classification: Uncertain significance. Last evaluated: 2025-02-03. Review status: criteria provided, single submitter. Criteria: GeneDx Variant Classification Process June 2021. Collection method: clinical testing. Allele origin: germline. Affected: yes.
Comment: Not observed at significant frequency in large population cohorts (gnomAD); In silico analysis indicates that this variant does not alter protein structure/function; Has not been previously published as pathogenic or benign to our knowledge